The following is an entry in ClinVar:

NM_001927.4(DES):c.5G>T (p.Ser2Ile)

Gene: DES (desmin; plus strand). Cytogenetic location: 2q35.
Variant type: single nucleotide variant.
Coding change: c.5G>T on transcript NM_001927.4 (MANE Select); coding-DNA position 5, G replaced by T.
Protein change: p.Ser2Ile; replaces serine 2 with isoleucine.
Molecular consequence: missense variant.
Genome position (GRCh38, 1-based): chr2:219,418,467, G>T. VCF-style: chr2-219418467-G-T. GRCh37 (hg19) VCF-style: chr2-220283189-G-T.
Other names: c.5G>T (LRG_380t1); short protein forms S2I.
Identifiers: ClinVar variation 66414 (VCV000066414.7), dbSNP rs58999456, ClinGen allele CA217078.

ClinVar aggregate classification (germline): Pathogenic/Likely pathogenic. Review status: criteria provided, multiple submitters, no conflicts (2 of 4 stars). 4 submissions from 4 submitters: Pathogenic (2); Likely pathogenic (1). 1 of the submissions does not count toward it. Last evaluated 2024-10-25.

Conditions:
Desmin-related myofibrillar myopathy (MFM1). Also called: Desminopathy; Desmin related myopathy (former name); Desmin storage myopathy (former name); MYOFIBRILLAR MYOPATHY WITH ARRHYTHMOGENIC RIGHT VENTRICULAR CARDIOMYOPATHY; DESMIN-RELATED MYOPATHY WITH ARRHYTHMOGENIC RIGHT VENTRICULAR CARDIOMYOPATHY; Myofibrillar myopathy 1. Identifiers: Orphanet 363543, Orphanet 98909, MedGen C1832370, MONDO:0011076, OMIM 601419.
Primary familial dilated cardiomyopathy (FDC). Also called: Familial dilated cardiomyopathy; Hypokinetic dilated cardiomyopathy, familial. Identifiers: Orphanet 217607, MedGen C0340427, MONDO:0016333.

Submissions (4):

Women's Health and Genetics/Laboratory Corporation of America, LabCorp
Classification: Pathogenic for Primary familial dilated cardiomyopathy. Last evaluated: 2024-10-25. Review status: criteria provided, single submitter. Criteria: LabCorp Variant Classification Summary - May 2015. Collection method: clinical testing. Allele origin: germline.
Comment: Variant summary: DES c.5G>T (p.Ser2Ile) results in a non-conservative amino acid change in the encoded protein sequence. Five of five in-silico tools predict a damaging effect of the variant on protein function. The variant was absent in 220124 control chromosomes. c.5G>T has been reported in the literature in multiple individuals affected with autosomal dominant myofibrillar myopathy, and has been shown to segregate with disease in at least one family (e.g., Claeys_2008, Semmler_2014, Wahbi_2012). These data indicate that the variant is very likely to be associated with disease. The following publications have been ascertained in the context of this evaluation (PMID: 18653338, 25208129, 22153487). ClinVar contains an entry for this variant (Variation ID: 66414). Based on the evidence outlined above, the variant was classified as pathogenic.

Labcorp Genetics (formerly Invitae), Labcorp
Classification: Pathogenic for Desmin-related myofibrillar myopathy. Last evaluated: 2023-02-08. Review status: criteria provided, single submitter. Criteria: Invitae Variant Classification Sherloc (09022015). Collection method: clinical testing. Allele origin: germline.
Comment: For these reasons, this variant has been classified as Pathogenic. Experimental studies have shown that this missense change affects DES function (PMID: 19763525). Advanced modeling of protein sequence and biophysical properties (such as structural, functional, and spatial information, amino acid conservation, physicochemical variation, residue mobility, and thermodynamic stability) has been performed at Invitae for this missense variant, however the output from this modeling did not meet the statistical confidence thresholds required to predict the impact of this variant on DES protein function. ClinVar contains an entry for this variant (Variation ID: 66414). This missense change has been observed in individuals with autosomal dominant myofibrillar myopathy (PMID: 14711882, 22153487, 25208129). This variant is not present in population databases (gnomAD no frequency). This sequence change replaces serine, which is neutral and polar, with isoleucine, which is neutral and non-polar, at codon 2 of the DES protein (p.Ser2Ile).

Athena Diagnostics
Classification: Likely pathogenic. Last evaluated: 2022-12-28. Review status: criteria provided, single submitter. Criteria: Athena Diagnostics Criteria. Collection method: clinical testing. Allele origin: unknown.
Comment: This variant has been identified in multiple unrelated individuals with clinical features of autosomal dominant myofibrillar myopathy. This variant has not been reported in large, multi-ethnic general populations. Computational tools predict that this variant is damaging.

Epithelial Biology;  Institute of Medical Biology, Singapore
No classification provided. Review status: no classification provided. Collection method: not provided. Allele origin: not provided. Not counted in ClinVar's aggregate classification.

Literature cited by the submitters: PubMed 22153487 (cited by 3 submitters); PubMed 25208129 (cited by 3 submitters); PubMed 18653338 (cited by Women's Health and Genetics/Laboratory Corporation of America, LabCorp); PubMed 19763525 (cited by Labcorp Genetics (formerly Invitae), Labcorp and Athena Diagnostics); PubMed 14711882 (cited by Labcorp Genetics (formerly Invitae), Labcorp and Athena Diagnostics); PubMed 26342832 (cited by Athena Diagnostics); PubMed 27085366 (cited by Athena Diagnostics).